The following is an entry in ClinVar:

NM_001348768.2(HECW2):c.2043C>T (p.Asp681=)

Gene: HECW2 (HECT, C2 and WW domain containing E3 ubiquitin protein ligase 2; minus strand). Cytogenetic location: 2q32.3.
Variant type: single nucleotide variant.
Coding change: c.2043C>T on transcript NM_001348768.2 (MANE Select); coding-DNA position 2043, C replaced by T.
Protein change: p.Asp681=; no amino-acid change (aspartic acid 681 retained).
Molecular consequence: synonymous variant.
Genome position (GRCh38, 1-based): chr2:196,318,847, G>A on the plus strand (C>T on the coding strand, the complement: HECW2 is on the minus strand). VCF-style: chr2-196318847-G-A. GRCh37 (hg19) VCF-style: chr2-197183571-G-A.
Other names: c.975C>T, p.Asp325= (NM_001304840.3); c.2043C>T, p.Asp681= (NM_020760.4).
Identifiers: ClinVar variation 2651787 (VCV002651787.25), dbSNP rs143907539, ClinGen allele CA2038205.

ClinVar aggregate classification (germline): Likely benign. Review status: criteria provided, multiple submitters, no conflicts (2 of 4 stars). 2 submissions from 2 submitters: Likely benign (2). Last evaluated 2023-04-01.

Allele frequency attached by ClinVar (database versions not stated): ExAC 0.00002; gnomAD 0.00003; gnomAD exomes 0.00004; ESP Exome Variant Server 0.00008.
gnomAD v4.1: 61 of 1,550,662 alleles (0.0039%); highest among the groups gnomAD compares: Middle Eastern, 0.017%; no homozygotes.

Submissions (2):

CeGaT Center for Human Genetics Tuebingen
Classification: Likely benign. Last evaluated: 2023-04-01. Review status: criteria provided, single submitter. Criteria: CeGaT Center For Human Genetics Tuebingen Variant Classification Criteria Version 2. Collection method: clinical testing. Allele origin: germline. Affected: yes. Observed: 1 variant allele.
Comment: HECW2: BP4, BP7

Blueprint Genetics
Classification: Likely benign. Last evaluated: 2021-09-03. Review status: criteria provided, single submitter. Criteria: ACMG Guidelines, 2015. Collection method: clinical testing. Allele origin: germline.